The following is an entry in ClinVar:

ClinVar aggregate classification (germline): Uncertain significance. Review status: criteria provided, multiple submitters, no conflicts (2 of 4 stars). 2 submissions from 2 submitters: Uncertain significance (2). Last evaluated 2024-01-31.

Conditions:
Multiple congenital anomalies-hypotonia-seizures syndrome 1 (MCAHS1). Also called: PIGN-CDG; Congenital disorder of glycosylation due to PIGN deficiency; GLYCOSYLPHOSPHATIDYLINOSITOL BIOSYNTHESIS DEFECT 3. Identifiers: Orphanet 280633, MedGen C3279775, MONDO:0013563, OMIM 614080.

Allele frequency attached by ClinVar (database versions not stated): gnomAD exomes 0.00001 and 0.00004; ExAC 0.00003; gnomAD 0.00015 and 0.00019; 1000 Genomes Project 30x 0.00016; TOPMed 0.00019; 1000 Genomes Project 0.00020; ESP Exome Variant Server 0.00025.
gnomAD v4.1: 36 of 1,612,578 alleles (0.0022%); highest among the groups gnomAD compares: African/African-American, 0.039%; no homozygotes.

Submissions (2):

GeneDx
Classification: Uncertain significance. Last evaluated: 2024-01-31. Review status: criteria provided, single submitter. Criteria: GeneDx Variant Classification Process June 2021. Collection method: clinical testing. Allele origin: germline. Affected: yes.
Comment: In silico analysis supports that this missense variant does not alter protein structure/function; Has not been previously published as pathogenic or benign to our knowledge

Labcorp Genetics (formerly Invitae), Labcorp
Classification: Uncertain significance for Multiple congenital anomalies-hypotonia-seizures syndrome 1. Last evaluated: 2022-10-05. Review status: criteria provided, single submitter. Criteria: Invitae Variant Classification Sherloc (09022015). Collection method: clinical testing. Allele origin: germline.
Comment: This sequence change replaces isoleucine, which is neutral and non-polar, with valine, which is neutral and non-polar, at codon 463 of the PIGN protein (p.Ile463Val). This variant is present in population databases (rs201027656, gnomAD 0.05%). This variant has not been reported in the literature in individuals affected with PIGN-related conditions. ClinVar contains an entry for this variant (Variation ID: 472210). Advanced modeling of protein sequence and biophysical properties (such as structural, functional, and spatial information, amino acid conservation, physicochemical variation, residue mobility, and thermodynamic stability) performed at Invitae indicates that this missense variant is not expected to disrupt PIGN protein function. In summary, the available evidence is currently insufficient to determine the role of this variant in disease. Therefore, it has been classified as a Variant of Uncertain Significance.

NM_176787.5(PIGN):c.1387A>G (p.Ile463Val)

Gene: PIGN (phosphatidylinositol glycan anchor biosynthesis class N; minus strand). Cytogenetic location: 18q21.33.
Variant type: single nucleotide variant.
Coding change: c.1387A>G on transcript NM_176787.5 (MANE Select); coding-DNA position 1387, A replaced by G.
Protein change: p.Ile463Val; replaces isoleucine 463 with valine.
Molecular consequence: missense variant.
Genome position (GRCh38, 1-based): chr18:62,113,181, T>C on the plus strand (A>G on the coding strand, the complement: PIGN is on the minus strand). VCF-style: chr18-62113181-T-C. GRCh37 (hg19) VCF-style: chr18-59780414-T-C.
Other names: c.1387A>G, p.Ile463Val (NM_012327.6); short protein forms I463V.
Identifiers: ClinVar variation 472210 (VCV000472210.8), dbSNP rs201027656, ClinGen allele CA8982314.